The following is an entry in ClinVar:

NM_000528.4(MAN2B1):c.27_30del (p.Val10fs)

Genes: MAN2B1 (mannosidase alpha class 2B member 1; minus strand), LOC130063650 (ATAC-STARR-seq lymphoblastoid silent region 10156; plus strand). Cytogenetic location: 19p13.13.
Variant type: Deletion.
Coding change: c.27_30del on transcript NM_000528.4 (MANE Select); coding-DNA positions 27 to 30, 4 bases deleted (GGTC; older notation c.27_30delGGTC).
Protein change: p.Val10fs; shifts the reading frame from valine 10.
Molecular consequence: frameshift variant.
Genome position (GRCh38, 1-based): chr19:12,666,672-12,666,675, GACC deleted on the plus strand (GGTC on the coding strand, the reverse complement: MAN2B1 is on the minus strand). VCF-style (leftmost placement, unchanged base first): chr19-12666671-AGACC-A. GRCh37 (hg19) VCF-style: chr19-12777485-AGACC-A.
Other names: c.27_30del, p.Val10fs (NM_001173498.2, NM_001440570.1); short protein forms V10fs.
Identifiers: ClinVar variation 4814313 (VCV004814313.1).

ClinVar aggregate classification (germline): Likely pathogenic (1 of 4 stars; one submission).

Conditions:
Deficiency of alpha-mannosidase (MANSA). Also called: Alpha-Mannosidosis; Mannosidosis, alpha-, types I and II; LYSOSOMAL ALPHA-D-MANNOSIDASE DEFICIENCY. Identifiers: Orphanet 61, MedGen C0024748, MONDO:0009561, OMIM 248500.

Submission:

Natera, Inc.
Classification: Likely pathogenic for Alpha-mannosidosis. Last evaluated: 2024-07-26. Review status: criteria provided, single submitter. Criteria: Natera Variant Classification Schema (03/2026). Collection method: clinical testing. Allele origin: germline.
Comment: The c.27_30del variant in MAN2B1 is a frameshift variant predicted to shift the reading frame beginning at codon 10 and leads to a stop codon 53 codons downstream. This variant is expected to result in nonsense mediated decay, truncation, or a dysfunctional protein product. This variant is rare in the general population with a frequency below the threshold expected for the associated phenotype(s). Given the available evidence, this variant is classified as Likely Pathogenic.